The following is an entry in ClinVar:

NM_000901.5(NR3C2):c.604_608delinsGA (p.Ser202_Ser203delinsGlu)

Gene: NR3C2 (nuclear receptor subfamily 3 group C member 2; minus strand). Cytogenetic location: 4q31.23.
Variant type: Indel.
Coding change: c.604_608delinsGA on transcript NM_000901.5 (MANE Select); coding-DNA positions 604 to 608, TCTTC replaced by GA.
Protein change: p.Ser202_Ser203delinsGlu.
Molecular consequence: inframe indel. On other transcripts: non-coding transcript variant (1).
Genome position (GRCh38, 1-based): chr4:148,436,253-148,436,257, GAAGA replaced by TC on the plus strand (TCTTC replaced by GA on the coding strand, the reverse complement: NR3C2 is on the minus strand). VCF-style: chr4-148436253-GAAGA-TC. GRCh37 (hg19) VCF-style: chr4-149357405-GAAGA-TC.
Other names: c.604_608delinsGA, p.Ser202_Ser203delinsGlu (NM_001166104.2, NM_001354819.1).
Identifiers: ClinVar variation 3899659 (VCV003899659.1).

ClinVar aggregate classification (germline): Uncertain significance (1 of 4 stars; one submission).

Submission:

GeneDx
Classification: Uncertain significance. Last evaluated: 2024-11-14. Review status: criteria provided, single submitter. Criteria: GeneDx Variant Classification Process June 2021. Collection method: clinical testing. Allele origin: germline. Affected: yes.
Comment: Not observed at significant frequency in large population cohorts (gnomAD); In-frame deletion of 2 amino acids and insertion of 1 different amino acids in a non-repeat region; In silico analysis indicates that this variant does not alter protein structure/function; Has not been previously published as pathogenic or benign to our knowledge